The following is an entry in ClinVar:

NM_024685.4(BBS10):c.1616C>T (p.Pro539Leu)

Gene: BBS10 (Bardet-Biedl syndrome 10; minus strand). Cytogenetic location: 12q21.2.
Variant type: single nucleotide variant.
Coding change: c.1616C>T on transcript NM_024685.4 (MANE Select); coding-DNA position 1616, C replaced by T.
Protein change: p.Pro539Leu; replaces proline 539 with leucine.
Molecular consequence: missense variant.
Genome position (GRCh38, 1-based): chr12:76,346,369, G>A on the plus strand (C>T on the coding strand, the complement: BBS10 is on the minus strand). VCF-style: chr12-76346369-G-A. GRCh37 (hg19) VCF-style: chr12-76740149-G-A.
Other names: c.1616C>T, p.Pro539Leu (LRG_1255t1); short protein forms P539L.
Identifiers: ClinVar variation 166721 (VCV000166721.33), dbSNP rs35676114, ClinGen allele CA179768.

ClinVar aggregate classification (germline): Conflicting classifications of pathogenicity. Review status: criteria provided, conflicting classifications (1 of 4 stars). 16 submissions from 16 submitters: Uncertain significance (1); Benign (11). 4 of the submissions do not count toward it. Last evaluated 2026-02-04.

Conditions:
Bardet-Biedl syndrome (BBS). Identifiers: Orphanet 110, MedGen C0752166, MONDO:0015229.
Bardet-Biedl syndrome 10 (BBS10). Identifiers: Orphanet 110, MedGen C1859568, MONDO:0014438, OMIM 615987.
Early onset severe obesity. Identifiers: MedGen C4013980.

Allele frequency attached by ClinVar (database versions not stated): gnomAD 0.05534 and 0.05430; ExAC 0.06468; 1000 Genomes Project 30x 0.03357; ESP Exome Variant Server 0.05513; gnomAD exomes 0.06391 and 0.07451; 1000 Genomes Project 0.03355; TOPMed 0.05113.
gnomAD v4.1: 117,469 of 1,613,816 alleles (7.3%); highest among the groups gnomAD compares: Middle Eastern, 14%; 4,912 homozygotes.

Submissions (16):

Labcorp Genetics (formerly Invitae), Labcorp
Classification: Benign for Bardet-Biedl syndrome. Last evaluated: 2026-02-04. Review status: criteria provided, single submitter. Criteria: Invitae Variant Classification Sherloc (09022015). Collection method: clinical testing. Allele origin: germline.

Blueprint Genetics
Classification: Benign. Last evaluated: 2024-11-27. Review status: criteria provided, single submitter. Criteria: ACMG Guidelines, 2015. Collection method: clinical testing. Allele origin: germline.

Cambridge Genomics Laboratory, East Genomic Laboratory Hub, NHS Genomic Medicine Service
Classification: Benign for Severe early-onset obesity. Last evaluated: 2023-08-09. Review status: criteria provided, single submitter. Criteria: ACGS Best Practice Guidelines for Variant Classification in Rare Disease 2020. Collection method: clinical testing. Allele origin: germline. Affected: yes.
Comment: The variant is observed in one or more well-documented healthy adults. (BS2 - Strong) | The p.(Pro539Leu) variant is observed in 2.840/30.604 (9.2798%) alleles from individuals of gnomAD South Asian background in gnomAD All. The p.(Pro539Leu) variant is observed in 168/5.008 (3.3546%) alleles from individuals of 1kG All background in 1kG All. The p.(Pro539Leu) variant is observed in 434/4.816 (9.0116%) alleles from individuals of gnomAD Genomes v3 South Asian background in gnomAD Genomes v3, indicating it is a common benign variant. (BA1 - Standalone) | The p.(Pro539Leu) variant is not predicted to introduce a novel splice site by any splice site algorithm. The p.(Pro539Leu) missense variant is predicted to be tolerated by both SIFT or PolyPhen2. The leucine residue at codon 539 of BBS10 is present in Chinese tree shrew and 13 other mammalian species. The nucleotide c.1616 in BBS10 is not conserved according to a GERP++ and PhyloP analysis of 100 vertebrates. (BP4 - Supporting)

Mayo Clinic Laboratories, Mayo Clinic
Classification: Benign. Last evaluated: 2023-02-15. Review status: criteria provided, single submitter. Criteria: ACMG Guidelines, 2015. Collection method: clinical testing. Allele origin: germline. Observed: 8 variant alleles.
Comment: BA1, BS2, BP4

Pars Genome Lab
Classification: Benign for Bardet-Biedl syndrome 10. Last evaluated: 2021-07-01. Review status: criteria provided, single submitter. Criteria: ACMG Guidelines, 2015. Collection method: clinical testing. Allele origin: germline. Affected: no.

GeneDx
Classification: Benign. Last evaluated: 2021-05-04. Review status: criteria provided, single submitter. Criteria: GeneDx Variant Classification Process June 2021. Collection method: clinical testing. Allele origin: germline. Affected: yes.
Comment: This variant is associated with the following publications: (PMID: 20498079)

Illumina Laboratory Services, Illumina
Classification: Benign for Bardet-Biedl syndrome 10. Last evaluated: 2018-01-13. Review status: criteria provided, single submitter. Criteria: ICSL Variant Classification Criteria 13 December 2019. Collection method: clinical testing. Allele origin: germline.
Comment: This variant was observed in the ICSL laboratory as part of a predisposition screen in an ostensibly healthy population. It had not been previously curated by ICSL or reported in the Human Gene Mutation Database (HGMD: prior to June 1st, 2018), and was therefore a candidate for classification through an automated scoring system. Utilizing variant allele frequency, disease prevalence and penetrance estimates, and inheritance mode, an automated score was calculated to assess if this variant is too frequent to cause the disease. Based on the score and internal cut-off values, a variant classified as benign is not then subjected to further curation. The score for this variant resulted in a classification of benign for this disease.

Athena Diagnostics
Classification: Benign for Bardet-Biedl syndrome 10. Last evaluated: 2017-06-02. Review status: criteria provided, single submitter. Criteria: Athena Diagnostics Criteria. Collection method: clinical testing. Allele origin: germline.

Eurofins Ntd Llc (ga)
Classification: Benign. Last evaluated: 2014-05-02. Review status: criteria provided, single submitter. Criteria: EGL Classification Definitions 2015. Collection method: clinical testing. Allele origin: germline. Observed: 1 variant allele, 1 heterozygote.

Breakthrough Genomics
Classification: Benign. Review status: criteria provided, single submitter. Criteria: ACMG Guidelines, 2015. Collection method: not provided. Allele origin: germline. Inheritance: Autosomal recessive inheritance. Affected: yes.

PreventionGenetics, part of Exact Sciences
Classification: Benign. Review status: criteria provided, single submitter. Criteria: ACMG Guidelines, 2015. Collection method: clinical testing. Allele origin: germline.

SN ONGC Dept of Genetics and Molecular biology Vision Research Foundation
Classification: Uncertain significance for Bardet-Biedl syndrome. Review status: criteria provided, single submitter. Criteria: ACMG Guidelines, 2015. Collection method: research. Allele origin: unknown. Affected: yes. Observed: 1 heterozygote.

Natera, Inc.
Classification: Benign for Bardet-Biedl syndrome type 10. Last evaluated: 2020-09-16. Review status: no assertion criteria provided. Collection method: clinical testing. Allele origin: germline. Not counted in ClinVar's aggregate classification.

Diagnostic Laboratory, Department of Genetics, University Medical Center Groningen
Classification: Benign. Review status: no assertion criteria provided. Collection method: clinical testing. Allele origin: germline. Affected: yes. Study: VKGL Data-share Consensus. Not counted in ClinVar's aggregate classification.

Genome Diagnostics Laboratory, University Medical Center Utrecht
Classification: Benign. Review status: no assertion criteria provided. Collection method: clinical testing. Allele origin: germline. Affected: yes. Study: VKGL Data-share Consensus. Not counted in ClinVar's aggregate classification.

Joint Genome Diagnostic Labs from Nijmegen and Maastricht, Radboudumc and MUMC+
Classification: Benign. Review status: no assertion criteria provided. Collection method: clinical testing. Allele origin: germline. Affected: yes. Study: VKGL Data-share Consensus. Not counted in ClinVar's aggregate classification.

Literature cited by the submitters: PubMed 20498079 (cited by Mayo Clinic Laboratories, Mayo Clinic); PubMed 20120035 (cited by Athena Diagnostics).